The following is an entry in ClinVar:

ClinVar aggregate classification (germline): Uncertain significance. Review status: criteria provided, multiple submitters, no conflicts (2 of 4 stars). 2 submissions from 2 submitters: Uncertain significance (2). Last evaluated 2025-02-10.

Conditions:
Inborn genetic diseases. Identifiers: MedGen C0950123, MeSH D030342.

Allele frequency attached by ClinVar (database versions not stated): TOPMed below 0.00001; gnomAD 0.00001.
gnomAD v4.1: 1 of 1,614,056 alleles (0.000062%); highest among the groups gnomAD compares: Non-Finnish European, 0.000085%; no homozygotes.

Submissions (2):

Ambry Genetics
Classification: Uncertain significance for Inborn genetic diseases. Last evaluated: 2025-02-10. Review status: criteria provided, single submitter. Criteria: Ambry Variant Classification Scheme 2023. Collection method: clinical testing. Allele origin: germline.

Labcorp Genetics (formerly Invitae), Labcorp
Classification: Uncertain significance. Last evaluated: 2022-10-05. Review status: criteria provided, single submitter. Criteria: Invitae Variant Classification Sherloc (09022015). Collection method: clinical testing. Allele origin: germline.
Comment: This sequence change replaces serine, which is neutral and polar, with asparagine, which is neutral and polar, at codon 1145 of the CNTNAP1 protein (p.Ser1145Asn). This variant is not present in population databases (gnomAD no frequency). This variant has not been reported in the literature in individuals affected with CNTNAP1-related conditions. ClinVar contains an entry for this variant (Variation ID: 1481102). Algorithms developed to predict the effect of missense changes on protein structure and function (SIFT, PolyPhen-2, Align-GVGD) all suggest that this variant is likely to be tolerated. In summary, the available evidence is currently insufficient to determine the role of this variant in disease. Therefore, it has been classified as a Variant of Uncertain Significance.

NM_003632.3(CNTNAP1):c.3434G>A (p.Ser1145Asn)

Gene: CNTNAP1 (contactin associated protein 1; plus strand). Cytogenetic location: 17q21.2.
Variant type: single nucleotide variant.
Coding change: c.3434G>A on transcript NM_003632.3 (MANE Select); coding-DNA position 3434, G replaced by A.
Protein change: p.Ser1145Asn; replaces serine 1145 with asparagine.
Molecular consequence: missense variant.
Genome position (GRCh38, 1-based): chr17:42,696,112, G>A. VCF-style: chr17-42696112-G-A. GRCh37 (hg19) VCF-style: chr17-40848130-G-A.
Other names: c.3434G>A (NM_003632.2); short protein forms S1145N.
Identifiers: ClinVar variation 1481102 (VCV001481102.7), dbSNP rs2053149088, ClinGen allele CA399625714.